The following is an entry in ClinVar:

NM_002180.2(IGHMBP2):c.-317A>G

Genes: IGHMBP2 (immunoglobulin mu DNA binding protein 2; plus strand), MRPL21 (mitochondrial ribosomal protein L21; minus strand). Cytogenetic location: 11q13.3.
Variant type: single nucleotide variant.
Coding change: c.-317A>G on transcript NM_002180.2; 317 bases upstream of the start codon, A replaced by G.
Molecular consequence: intron variant (on NM_181514.2).
Genome position (GRCh38, 1-based): chr11:68,903,636, A>G. VCF-style: chr11-68903636-A-G. GRCh37 (hg19) VCF-style: chr11-68671104-A-G.
Other names: c.88+87T>C (NM_181514.2); c.-181+87T>C (NM_181515.2).
Identifiers: ClinVar variation 668907 (VCV000668907.4), dbSNP rs629426, ClinGen allele CA13463166.

ClinVar aggregate classification (germline): Benign. Review status: criteria provided, multiple submitters, no conflicts (2 of 4 stars). 2 submissions from 2 submitters: Benign (2). Last evaluated 2018-06-19.

Allele frequency attached by ClinVar (database versions not stated): gnomAD 0.26401 and 0.25567; TOPMed 0.23993; 1000 Genomes Project 30x 0.26562; 1000 Genomes Project 0.27057; gnomAD exomes 0.30954.
gnomAD v4.1: 413,536 of 1,360,118 alleles (30%); highest among the groups gnomAD compares: South Asian, 48%; 66,725 homozygotes.

Submissions (2):

GeneDx
Classification: Benign. Last evaluated: 2018-06-19. Review status: criteria provided, single submitter. Criteria: GeneDx Variant Classification (06012015). Collection method: clinical testing. Allele origin: germline. Affected: yes.
Comment: This variant is considered likely benign or benign based on one or more of the following criteria: it is a conservative change, it occurs at a poorly conserved position in the protein, it is predicted to be benign by multiple in silico algorithms, and/or has population frequency not consistent with disease.

Breakthrough Genomics
Classification: Benign. Review status: criteria provided, single submitter. Criteria: ACMG Guidelines, 2015. Collection method: not provided. Allele origin: germline. Inheritance: Unknown mechanism. Affected: yes.